The following is an entry in ClinVar:

NM_000297.4(PKD2):c.2445T>A (p.Asp815Glu)

Gene: PKD2 (polycystin 2, transient receptor potential cation channel; plus strand). Cytogenetic location: 4q22.1.
Variant type: single nucleotide variant.
Coding change: c.2445T>A on transcript NM_000297.4 (MANE Select); coding-DNA position 2445, T replaced by A.
Protein change: p.Asp815Glu; replaces aspartic acid 815 with glutamic acid.
Molecular consequence: missense variant. On other transcripts: non-coding transcript variant (1).
Genome position (GRCh38, 1-based): chr4:88,067,984, T>A. VCF-style: chr4-88067984-T-A. GRCh37 (hg19) VCF-style: chr4-88989136-T-A.
Other names: c.2220T>A, p.Asp740Glu (NM_001440544.1); short protein forms D740E, D815E.
Identifiers: ClinVar variation 4685018 (VCV004685018.1).

ClinVar aggregate classification (germline): Uncertain significance (1 of 4 stars; one submission).

gnomAD v4.1: 1 of 1,613,836 alleles (0.000062%); highest among the groups gnomAD compares: Non-Finnish European, 0.000085%; no homozygotes.

Submission:

GeneDx
Classification: Uncertain significance. Last evaluated: 2025-07-10. Review status: criteria provided, single submitter. Criteria: GeneDx Variant Classification Process June 2021. Collection method: clinical testing. Allele origin: germline. Affected: yes.
Comment: Not observed at significant frequency in large population cohorts (gnomAD); In silico analysis suggests that this missense variant does not alter protein structure/function; Has not been previously published as pathogenic or benign to our knowledge